The following is an entry in ClinVar:

NM_007294.4(BRCA1):c.4187A>T (p.Gln1396Leu)

Gene: BRCA1 (BRCA1 DNA repair associated; minus strand). Cytogenetic location: 17q21.31.
Variant type: single nucleotide variant.
Coding change: c.4187A>T on transcript NM_007294.4 (MANE Select); coding-DNA position 4187, A replaced by T.
Protein change: p.Gln1396Leu; replaces glutamine 1396 with leucine.
Molecular consequence: missense variant. On other transcripts: splice acceptor variant (84).
Genome position (GRCh38, 1-based): chr17:43,082,574, T>A on the plus strand (A>T on the coding strand, the complement: BRCA1 is on the minus strand). VCF-style: chr17-43082574-T-A. GRCh37 (hg19) VCF-style: chr17-41234591-T-A.
Other names: c.875A>T, p.Gln292Leu (NM_001407992.1, NM_001408392.1, NM_001408396.1 and 9 more transcripts); c.878A>T, p.Gln293Leu (NM_001407993.1, NM_007298.4, NM_007299.4 and 8 more transcripts); c.869A>T, p.Gln290Leu (NM_001408408.1); c.800A>T, p.Gln267Leu (NM_001408409.1, NM_001408411.1, NM_001408412.1 and 2 more transcripts); c.737A>T, p.Gln246Leu (NM_001408410.1, NM_001408452.1, NM_001408453.1 and 8 more transcripts); c.797A>T, p.Gln266Leu (NM_001408413.1, NM_001408416.1); c.761A>T, p.Gln254Leu (NM_001408418.1, NM_001408419.1, NM_001408420.1 and 2 more transcripts); c.758A>T, p.Gln253Leu (NM_001408421.1, NM_001408424.1, NM_001408431.1); and 64 more; short protein forms Q1100L, Q125L, Q1284L, Q1308L, Q1349L, Q1370L, Q226L, Q245L.
Identifiers: ClinVar variation 3727132 (VCV003727132.2).

ClinVar aggregate classification (germline): Uncertain significance (1 of 4 stars; one submission).

Conditions:
Hereditary breast ovarian cancer syndrome. Also called: Hereditary breast and ovarian cancer syndrome; Hereditary breast and/or ovarian cancer syndrome; Hereditary breast and ovarian cancer; Hereditary breast and ovarian cancer syndrome (HBOC); Breast and ovarian cancer; BRCA1- and BRCA2-Associated Hereditary Breast and Ovarian Cancer. Identifiers: Orphanet 145, MedGen C0677776, MeSH D061325, MONDO:0003582. Disease mechanism: loss of function.

Submission:

Labcorp Genetics (formerly Invitae), Labcorp
Classification: Uncertain significance for Hereditary breast ovarian cancer syndrome. Last evaluated: 2025-11-05. Review status: criteria provided, single submitter. Criteria: Invitae Variant Classification Sherloc (09022015). Collection method: clinical testing. Allele origin: germline.
Comment: This sequence change replaces glutamine, which is neutral and polar, with leucine, which is neutral and non-polar, at codon 1396 of the BRCA1 protein (p.Gln1396Leu). This variant is not present in population databases (gnomAD no frequency). This variant has not been reported in the literature in individuals affected with BRCA1-related conditions. ClinVar contains an entry for this variant (Variation ID: 3727132). An algorithm developed to predict the effect of missense changes on protein structure and function (PolyPhen-2) suggests that this variant is likely to be tolerated. In summary, the available evidence is currently insufficient to determine the role of this variant in disease. Therefore, it has been classified as a Variant of Uncertain Significance.